The following is an entry in ClinVar:

NM_001270520.2(DAAM1):c.558G>A (p.Lys186=)

Gene: DAAM1 (dishevelled associated activator of morphogenesis 1; plus strand). Cytogenetic location: 14q23.1.
Variant type: single nucleotide variant.
Coding change: c.558G>A on transcript NM_001270520.2 (MANE Select); coding-DNA position 558, G replaced by A.
Protein change: p.Lys186=; no amino-acid change (lysine 186 retained).
Molecular consequence: synonymous variant.
Genome position (GRCh38, 1-based): chr14:59,323,009, G>A. VCF-style: chr14-59323009-G-A. GRCh37 (hg19) VCF-style: chr14-59789727-G-A.
Other names: c.558G>A, p.Lys186= (NM_014992.2).
Identifiers: ClinVar variation 3060418 (VCV003060418.2), dbSNP rs8022614, ClinGen allele CA7207277.

ClinVar aggregate classification (germline): Benign (0 of 4 stars; one submission).

Conditions:
DAAM1-related disorder. Also called: DAAM1-related condition.

Allele frequency attached by ClinVar (database versions not stated): TOPMed 0.29700; ESP Exome Variant Server 0.29832; gnomAD 0.31138; 1000 Genomes Project 30x 0.32808; 1000 Genomes Project 0.33646; ExAC 0.37361; gnomAD exomes 0.39291.
gnomAD v4.1: 621,319 of 1,613,802 alleles (39%); highest among the groups gnomAD compares: East Asian, 54%; 124,603 homozygotes.

Submission:

PreventionGenetics, part of Exact Sciences
Classification: Benign for DAAM1-related condition. Last evaluated: 2019-10-31. Review status: no assertion criteria provided. Collection method: clinical testing. Allele origin: germline.
Comment: This variant is classified as benign based on ACMG/AMP sequence variant interpretation guidelines (Richards et al. 2015 PMID: 25741868, with internal and published modifications).